The following is an entry in ClinVar:

ClinVar aggregate classification (germline): Pathogenic (1 of 4 stars; one submission).

Conditions:
Hereditary diffuse gastric adenocarcinoma (HDGC). Also called: DIFFUSE GASTRIC AND LOBULAR BREAST CANCER SYNDROME. Identifiers: Orphanet 26106, MedGen C1708349, MONDO:0007648, OMIM 137215.

Submission:

Myriad Genetics, Inc.
Classification: Pathogenic for Hereditary diffuse gastric adenocarcinoma. Last evaluated: 2023-06-14. Review status: criteria provided, single submitter. Criteria: Myriad Autosomal Dominant, Autosomal Recessive and X-Linked Classification Criteria (2023). Collection method: clinical testing. Allele origin: unknown.
Comment: This variant is considered pathogenic. This variant creates a frameshift predicted to result in premature protein truncation.

NM_004360.5(CDH1):c.1492del (p.Asp498fs)

Gene: CDH1 (cadherin 1; plus strand). Cytogenetic location: 16q22.1.
Variant type: Deletion.
Coding change: c.1492del on transcript NM_004360.5 (MANE Select); coding-DNA position 1492, one base deleted (G; older notation c.1492delG).
Protein change: p.Asp498fs; shifts the reading frame from aspartic acid 498.
Molecular consequence: frameshift variant. On other transcripts: 5 prime UTR variant (2).
Genome position (GRCh38, 1-based): chr16:68,815,686, G deleted; the last of 2 consecutive G bases (chr16:68,815,685-68,815,686); deleting either gives the same sequence. VCF-style (leftmost placement, unchanged base first): chr16-68815684-AG-A. GRCh37 (hg19) VCF-style: chr16-68849587-AG-A.
Other names: c.1309del, p.Asp437fs (NM_001317184.2); c.-57del (NM_001317185.2); c.-328del (NM_001317186.2); short protein forms D437fs, D498fs.
Identifiers: ClinVar variation 2583411 (VCV002583411.2), dbSNP rs2543931085, ClinGen allele CA2582342597.
Genomic context (GRCh38, chr16:68,815,684, plus strand): 5'-TGCTGGATGTGAATGAAGCCCCCATCTTTGTGCCTCCTGAAAAGAGAGTGGAAGTGTCCG[AG>A]GACTTTGGCGTGGGCCAGGAAATCACATCCTACACTGCCCAGGAGCCAGACACATTTATG-3'